The following is an entry in ClinVar:

ClinVar aggregate classification (germline): Uncertain significance (1 of 4 stars; one submission).

Conditions:
Hyperprolinemia type 2 (HYRPRO2). Also called: Deficiency of pyrroline-5-carboxylate reductase; Delta-1-pyrroline-5-carboxylate dehydrogenase deficiency; 1-PYRROLINE-5-CARBOXYLATE DEHYDROGENASE DEFICIENCY. Identifiers: Orphanet 79101, MedGen C2931835, MONDO:0009401, OMIM 239510.

Allele frequency attached by ClinVar (database versions not stated): gnomAD 0.00001; TOPMed 0.00001.
gnomAD v4.1: 10 of 1,612,046 alleles (0.00062%); highest among the groups gnomAD compares: Middle Eastern, 0.018%; no homozygotes.

Submission:

Labcorp Genetics (formerly Invitae), Labcorp
Classification: Uncertain significance for Hyperprolinemia type 2. Last evaluated: 2025-08-04. Review status: criteria provided, single submitter. Criteria: Invitae Variant Classification Sherloc (09022015). Collection method: clinical testing. Allele origin: germline.
Comment: This sequence change replaces valine, which is neutral and non-polar, with methionine, which is neutral and non-polar, at codon 332 of the ALDH4A1 protein (p.Val332Met). This variant is present in population databases (rs767652523, gnomAD 0.002%). This variant has not been reported in the literature in individuals affected with ALDH4A1-related conditions. ClinVar contains an entry for this variant (Variation ID: 1003347). An algorithm developed to predict the effect of missense changes on protein structure and function (PolyPhen-2) suggests that this variant is likely to be disruptive. In summary, the available evidence is currently insufficient to determine the role of this variant in disease. Therefore, it has been classified as a Variant of Uncertain Significance.

NM_003748.4(ALDH4A1):c.994G>A (p.Val332Met)

Gene: ALDH4A1 (aldehyde dehydrogenase 4 family member A1; minus strand). Cytogenetic location: 1p36.13.
Variant type: single nucleotide variant.
Coding change: c.994G>A on transcript NM_003748.4 (MANE Select); coding-DNA position 994, G replaced by A.
Protein change: p.Val332Met; replaces valine 332 with methionine.
Molecular consequence: missense variant.
Genome position (GRCh38, 1-based): chr1:18,877,559, C>T on the plus strand (G>A on the coding strand, the complement: ALDH4A1 is on the minus strand). VCF-style: chr1-18877559-C-T. GRCh37 (hg19) VCF-style: chr1-19204053-C-T.
Other names: c.814G>A, p.Val272Met (NM_001161504.2); c.994G>A, p.Val332Met (NM_001319218.2, NM_170726.3); short protein forms V272M, V332M.
Identifiers: ClinVar variation 1003347 (VCV001003347.9), dbSNP rs767652523, ClinGen allele CA647113.